The following is an entry in ClinVar:

ClinVar aggregate classification (germline): Benign (1 of 4 stars; one submission).

Allele frequency attached by ClinVar (database versions not stated): 1000 Genomes Project 0.00040; 1000 Genomes Project 30x 0.00047; TOPMed 0.00208; ExAC 0.00276; gnomAD exomes 0.00326.
gnomAD v4.1: 1,402 of 456,580 alleles (0.31%); highest among the groups gnomAD compares: Non-Finnish European, 0.4%; 6 homozygotes.

Submission:

CeGaT Center for Human Genetics Tuebingen
Classification: Benign. Last evaluated: 2022-10-01. Review status: criteria provided, single submitter. Criteria: CeGaT Center For Human Genetics Tuebingen Variant Classification Criteria Version 2. Collection method: clinical testing. Allele origin: germline. Affected: yes. Observed: 1 variant allele.
Comment: CAV3: BP4, BS1, BS2

NM_033337.3(CAV3):c.115-3013G>A

Genes: CAV3 (caveolin 3; plus strand), OXTR (oxytocin receptor; minus strand). Cytogenetic location: 3p25.3.
Variant type: single nucleotide variant.
Coding change: c.115-3013G>A on transcript NM_033337.3 (MANE Select); 3013 bases into the intron before coding-DNA position 115, G replaced by A.
Molecular consequence: intron variant.
Genome position (GRCh38, 1-based): chr3:8,742,513, G>A. VCF-style: chr3-8742513-G-A. GRCh37 (hg19) VCF-style: chr3-8784199-G-A.
Other names: c.115-3013G>A (NM_001234.5).
Identifiers: ClinVar variation 2653467 (VCV002653467.24), dbSNP rs138564258, ClinGen allele CA2236309.
Genomic context (GRCh38, chr3:8,742,513, plus strand): 5'-ACTTACTACTGTAAGGAAAGGAGGACTCCATCCGTCTTATCAGCACAGACTGAGACACAC[G>A]CAGACTCATTTATAACTAAGTAGGCTGGAGAATAATCCGGGATGTCAAAAGAATTTCTCA-3'